The following is an entry in ClinVar:

ClinVar aggregate classification (germline): Uncertain significance. Review status: criteria provided, multiple submitters, no conflicts (2 of 4 stars). 2 submissions from 2 submitters: Uncertain significance (2). Last evaluated 2025-02-25.

Conditions:
Inborn genetic diseases. Identifiers: MedGen C0950123, MeSH D030342.

gnomAD v4.1: 24 of 1,524,410 alleles (0.0016%); highest among the groups gnomAD compares: Non-Finnish European, 0.0019%; no homozygotes.

Submissions (2):

Ambry Genetics
Classification: Uncertain significance for Inborn genetic diseases. Last evaluated: 2025-02-25. Review status: criteria provided, single submitter. Criteria: Ambry Variant Classification Scheme 2023. Collection method: clinical testing. Allele origin: germline.

Labcorp Genetics (formerly Invitae), Labcorp
Classification: Uncertain significance. Last evaluated: 2024-08-13. Review status: criteria provided, single submitter. Criteria: Invitae Variant Classification Sherloc (09022015). Collection method: clinical testing. Allele origin: germline.
Comment: This sequence change replaces arginine, which is basic and polar, with tryptophan, which is neutral and slightly polar, at codon 258 of the CDK13 protein (p.Arg258Trp). This variant is present in population databases (no rsID available, gnomAD 0.007%). This variant has not been reported in the literature in individuals affected with CDK13-related conditions. Advanced modeling of protein sequence and biophysical properties (such as structural, functional, and spatial information, amino acid conservation, physicochemical variation, residue mobility, and thermodynamic stability) performed at Invitae indicates that this missense variant is not expected to disrupt CDK13 protein function with a negative predictive value of 80%. In summary, the available evidence is currently insufficient to determine the role of this variant in disease. Therefore, it has been classified as a Variant of Uncertain Significance.

NM_003718.5(CDK13):c.772C>T (p.Arg258Trp)

Gene: CDK13 (cyclin dependent kinase 13; plus strand). Cytogenetic location: 7p14.1.
Variant type: single nucleotide variant.
Coding change: c.772C>T on transcript NM_003718.5 (MANE Select); coding-DNA position 772, C replaced by T.
Protein change: p.Arg258Trp; replaces arginine 258 with tryptophan.
Molecular consequence: missense variant.
Genome position (GRCh38, 1-based): chr7:39,951,413, C>T. VCF-style: chr7-39951413-C-T. GRCh37 (hg19) VCF-style: chr7-39991012-C-T.
Other names: c.772C>T, p.Arg258Trp (NM_031267.4); short protein forms R258W.
Identifiers: ClinVar variation 3700743 (VCV003700743.3).